The following is an entry in ClinVar:

ClinVar aggregate classification (germline): Uncertain significance (1 of 4 stars; one submission).

Conditions:
Familial adenomatous polyposis 1 (FAP1). Also called: FAMILIAL ADENOMATOUS POLYPOSIS 1, ATTENUATED; POLYPOSIS, ADENOMATOUS INTESTINAL. Identifiers: MedGen C2713442, MONDO:0021056, OMIM 175100. Disease mechanism: loss of function.

Submission:

Labcorp Genetics (formerly Invitae), Labcorp
Classification: Uncertain significance for Familial adenomatous polyposis 1. Last evaluated: 2018-10-15. Review status: criteria provided, single submitter. Criteria: Invitae Variant Classification Sherloc (09022015). Collection method: clinical testing. Allele origin: germline.
Comment: This sequence change replaces glutamic acid with aspartic acid at codon 74 of the APC protein (p.Glu74Asp). The glutamic acid residue is highly conserved and there is a small physicochemical difference between glutamic acid and aspartic acid. In summary, the available evidence is currently insufficient to determine the role of this variant in disease. Therefore, it has been classified as a Variant of Uncertain Significance. Algorithms developed to predict the effect of missense changes on protein structure and function (SIFT, PolyPhen-2, Align-GVGD) all suggest that this variant is likely to be tolerated, but these predictions have not been confirmed by published functional studies and their clinical significance is uncertain. This variant has not been reported in the literature in individuals with APC-related disease. This variant is not present in population databases (ExAC no frequency).

NM_000038.6(APC):c.222G>C (p.Glu74Asp)

Gene: APC (APC regulator of Wnt signaling pathway; plus strand). Cytogenetic location: 5q22.2.
Variant type: single nucleotide variant.
Coding change: c.222G>C on transcript NM_000038.6 (MANE Select); coding-DNA position 222, G replaced by C.
Protein change: p.Glu74Asp; replaces glutamic acid 74 with aspartic acid.
Molecular consequence: missense variant. On other transcripts: 5 prime UTR variant (1).
Genome position (GRCh38, 1-based): chr5:112,767,190, G>C. VCF-style: chr5-112767190-G-C. GRCh37 (hg19) VCF-style: chr5-112102887-G-C.
Other names: c.222G>C, p.Glu74Asp (NM_001127510.3, NM_001354895.2, NM_001354896.2 and 2 more transcripts); c.252G>C, p.Glu84Asp (NM_001127511.3, NM_001354897.2, NM_001354902.2); c.147G>C, p.Glu49Asp (NM_001354898.2, NM_001354904.2); c.45G>C, p.Glu15Asp (NM_001354900.2, NM_001354901.2, NM_001354905.2); c.-814G>C (NM_001354906.2); short protein forms E74D, E84D, E49D, E15D.
Identifiers: ClinVar variation 578503 (VCV000578503.11), dbSNP rs1561463688, ClinGen allele CA16021826.